The following is an entry in ClinVar:

ClinVar aggregate classification (germline): Uncertain significance (1 of 4 stars; one submission).

Conditions:
Inborn genetic diseases. Identifiers: MedGen C0950123, MeSH D030342.

Submission:

Ambry Genetics
Classification: Uncertain significance for Inborn genetic diseases. Last evaluated: 2025-09-27. Review status: criteria provided, single submitter. Criteria: Ambry Variant Classification Scheme 2023. Collection method: clinical testing. Allele origin: germline.
Comment: The p.R906G variant (also known as c.2716A>G), located in coding exon 1 of the SAMD9L gene, results from an A to G substitution at nucleotide position 2716. The arginine at codon 906 is replaced by glycine, an amino acid with dissimilar properties. This amino acid position is conserved. In addition, this alteration is predicted to be tolerated by in silico analysis. Based on the available evidence, the clinical significance of this variant remains unclear.

NM_152703.5(SAMD9L):c.2716A>G (p.Arg906Gly)

Gene: SAMD9L (sterile alpha motif domain containing 9 like; minus strand). Cytogenetic location: 7q21.2.
Variant type: single nucleotide variant.
Coding change: c.2716A>G on transcript NM_152703.5 (MANE Select); coding-DNA position 2716, A replaced by G.
Protein change: p.Arg906Gly; replaces arginine 906 with glycine.
Molecular consequence: missense variant.
Genome position (GRCh38, 1-based): chr7:93,133,256, T>C on the plus strand (A>G on the coding strand, the complement: SAMD9L is on the minus strand). VCF-style: chr7-93133256-T-C. GRCh37 (hg19) VCF-style: chr7-92762569-T-C.
Other names: c.2716A>G, p.Arg906Gly (NM_001303496.3, NM_001303497.3, NM_001303498.3 and 5 more transcripts); short protein forms R906G.
Identifiers: ClinVar variation 4630023 (VCV004630023.1).
Genomic context (GRCh38, chr7:93,133,256, plus strand): 5'-CCAGGAAGGAAATGAGTTGTGCTTCCTTGCTGTCAACATCCTGTCCTTTTAGGATATTCC[T>C]GACTACATTTTCTATATATGTTTCATCAAAATTGCTTTTCATGATCATGAAGGAATAAAA-3'
Protein context (NP_689916.2, residues 896-916): FDETYIENVV[Arg906Gly]NILKGQDVDS